The following is an entry in ClinVar:

NM_001360016.2(G6PD):c.472T>G (p.Cys158Gly)

Gene: G6PD (glucose-6-phosphate dehydrogenase; minus strand). Cytogenetic location: Xq28.
Variant type: single nucleotide variant.
Coding change: c.472T>G on transcript NM_001360016.2 (MANE Select); coding-DNA position 472, T replaced by G.
Protein change: p.Cys158Gly; replaces cysteine 158 with glycine.
Molecular consequence: missense variant.
Genome position (GRCh38, 1-based): chrX:154,535,181, A>C on the plus strand (T>G on the coding strand, the complement: G6PD is on the minus strand). VCF-style: chrX-154535181-A-C. GRCh37 (hg19) VCF-style: chrX-153763396-A-C.
Other names: G6PD Copenhagen; c.562T>G, p.Cys188Gly (NM_000402.4); c.472T>G, p.Cys158Gly (NM_001042351.3); short protein forms C158G, C188G.
Identifiers: ClinVar variation 1722694 (VCV001722694.2), dbSNP rs2523270721, ClinGen allele CA415238330.

ClinVar aggregate classification (germline): Uncertain significance (1 of 4 stars; one submission).

Conditions:
Anemia, nonspherocytic hemolytic, due to G6PD deficiency (CNSHA1). Also called: Hemolytic anemia due to G6PD deficiency; Class I glucose-6-phosphate dehydrogenase deficiency; Favism, susceptibility to; ANEMIA, CONGENITAL, NONSPHEROCYTIC HEMOLYTIC, 1. Identifiers: Orphanet 466026, MedGen C2720289, MONDO:0010480, OMIM 300908.

Submission:

Dunham Lab, University of Washington
Classification: Uncertain significance for Anemia, nonspherocytic hemolytic, due to G6PD deficiency. Last evaluated: 2022-08-12. Review status: criteria provided, single submitter. Criteria: Bayesian ACMG Guidelines, 2018. Collection method: curation. Allele origin: unknown.
Comment: Decreased activity in red blood cells (66%) (PS3). Not found in gnomAD (PM2). Post_P 0.997 (odds of pathogenicity 3152, Prior_P 0.1). Post_P 0.89997 (odds of pathogenicity 80.97, Prior_P 0.1).

Literature cited by the submitters: PubMed 25925739.